The following is an entry in ClinVar:

ClinVar aggregate classification (germline): Conflicting classifications of pathogenicity. Review status: criteria provided, conflicting classifications (1 of 4 stars). 3 submissions from 3 submitters: Uncertain significance (1); Likely benign (1). 1 of the submissions does not count toward it. Last evaluated 2026-01-28.

Conditions:
Spastic paraplegia. Identifiers: MedGen C0037772, HP:0001258.
Charlevoix-Saguenay spastic ataxia (SACS). Also called: AUTOSOMAL RECESSIVE SPASTIC ATAXIA OF CHARLEVOIX-SAGUENAY; Spastic ataxia of Charlevoix-Saguenay; SPASTIC ATAXIA 6, AUTOSOMAL RECESSIVE. Identifiers: Orphanet 98, MedGen C1849140, MONDO:0010041, OMIM 270550.

Allele frequency attached by ClinVar (database versions not stated): ExAC 0.00002; gnomAD 0.00003; gnomAD exomes 0.00003 and 0.00014; TOPMed 0.00009.
gnomAD v4.1: 215 of 1,613,948 alleles (0.013%); highest among the groups gnomAD compares: Non-Finnish European, 0.018%; no homozygotes.

Submissions (3):

Labcorp Genetics (formerly Invitae), Labcorp
Classification: Likely benign for Spastic paraplegia. Last evaluated: 2026-01-28. Review status: criteria provided, single submitter. Criteria: Invitae Variant Classification Sherloc (09022015). Collection method: clinical testing. Allele origin: germline.

Athena Diagnostics
Classification: Uncertain significance. Last evaluated: 2024-06-05. Review status: criteria provided, single submitter. Criteria: Athena Diagnostics Criteria. Collection method: clinical testing. Allele origin: unknown.
Comment: Available data are insufficient to determine the clinical significance of the variant at this time. The frequency of this variant in the general population is uninformative in assessment of its pathogenicity. Polyphen and MutationTaster yielded discordant predictions regarding whether this amino acid change is damaging to the protein.

Natera, Inc.
Classification: Uncertain significance for Charlevoix-Saguenay type spastic ataxia. Last evaluated: 2019-11-11. Review status: no assertion criteria provided. Collection method: clinical testing. Allele origin: germline. Not counted in ClinVar's aggregate classification.

NM_014363.6(SACS):c.2853C>A (p.His951Gln)

Gene: SACS (sacsin molecular chaperone; minus strand). Cytogenetic location: 13q12.12.
Variant type: single nucleotide variant.
Coding change: c.2853C>A on transcript NM_014363.6 (MANE Select); coding-DNA position 2853, C replaced by A.
Protein change: p.His951Gln; replaces histidine 951 with glutamine.
Molecular consequence: missense variant.
Genome position (GRCh38, 1-based): chr13:23,341,023, G>T on the plus strand (C>A on the coding strand, the complement: SACS is on the minus strand). VCF-style: chr13-23341023-G-T. GRCh37 (hg19) VCF-style: chr13-23915162-G-T.
Other names: c.2412C>A, p.His804Gln (NM_001278055.2); c.2853C>A (NM_014363.4); short protein forms H951Q, H804Q.
Identifiers: ClinVar variation 458262 (VCV000458262.8), dbSNP rs200644511, ClinGen allele CA6911606.